The following is an entry in ClinVar:

NM_001379180.1(ESRRB):c.598C>T (p.Arg200Cys)

Gene: ESRRB (estrogen related receptor beta; plus strand). Cytogenetic location: 14q24.3.
Variant type: single nucleotide variant.
Coding change: c.598C>T on transcript NM_001379180.1 (MANE Select); coding-DNA position 598, C replaced by T.
Protein change: p.Arg200Cys; replaces arginine 200 with cysteine.
Molecular consequence: missense variant.
Genome position (GRCh38, 1-based): chr14:76,482,036, C>T. VCF-style: chr14-76482036-C-T. GRCh37 (hg19) VCF-style: chr14-76948379-C-T.
Other names: c.550C>T, p.Arg184Cys (NM_001411038.1); c.535C>T, p.Arg179Cys (NM_004452.4); short protein forms R179C, R184C, R200C.
Identifiers: ClinVar variation 1800765 (VCV001800765.1), dbSNP rs2140030880, ClinGen allele CA390478222.

ClinVar aggregate classification (germline): Uncertain significance (1 of 4 stars; one submission).

Allele frequency attached by ClinVar (database versions not stated): gnomAD exomes below 0.00001.

Submission:

GeneDx
Classification: Uncertain significance. Last evaluated: 2022-05-18. Review status: criteria provided, single submitter. Criteria: GeneDx Variant Classification Process June 2021. Collection method: clinical testing. Allele origin: germline. Affected: yes.
Comment: Not observed at significant frequency in large population cohorts (gnomAD); In silico analysis supports that this missense variant has a deleterious effect on protein structure/function; Has not been previously published as pathogenic or benign to our knowledge